The following is an entry in ClinVar:

NM_000702.4(ATP1A2):c.2197A>G (p.Ile733Val)

Gene: ATP1A2 (ATPase Na+/K+ transporting subunit alpha 2; plus strand). Cytogenetic location: 1q23.2.
Variant type: single nucleotide variant.
Coding change: c.2197A>G on transcript NM_000702.4 (MANE Select); coding-DNA position 2197, A replaced by G.
Protein change: p.Ile733Val; replaces isoleucine 733 with valine.
Molecular consequence: missense variant.
Genome position (GRCh38, 1-based): chr1:160,135,515, A>G. VCF-style: chr1-160135515-A-G. GRCh37 (hg19) VCF-style: chr1-160105305-A-G.
Other names: short protein forms I733V.
Identifiers: ClinVar variation 2083580 (VCV002083580.4), dbSNP rs2524887285, ClinGen allele CA343249172.
Genomic context (GRCh38, chr1:160,135,515, plus strand): 5'-GGTGACGGGGTGAACGACTCCCCTGCATTGAAGAAGGCTGACATTGGCATTGCCATGGGC[A>G]TCTCTGGCTCTGACGTCTCTAAGCAGGCAGCCGACATGATCCTGCTGGATGACAACTTTG-3'
Protein context (NP_000693.1, residues 723-743): KKADIGIAMG[Ile733Val]SGSDVSKQAA

ClinVar aggregate classification (germline): Uncertain significance (1 of 4 stars; one submission).

Conditions:
Familial hemiplegic migraine. Identifiers: MedGen C0338484, MONDO:0000700.

Submission:

Labcorp Genetics (formerly Invitae), Labcorp
Classification: Uncertain significance for Familial hemiplegic migraine. Last evaluated: 2022-01-15. Review status: criteria provided, single submitter. Criteria: Invitae Variant Classification Sherloc (09022015). Collection method: clinical testing. Allele origin: germline.
Comment: In summary, the available evidence is currently insufficient to determine the role of this variant in disease. Therefore, it has been classified as a Variant of Uncertain Significance. Algorithms developed to predict the effect of missense changes on protein structure and function (SIFT, PolyPhen-2, Align-GVGD) all suggest that this variant is likely to be tolerated. This variant has not been reported in the literature in individuals affected with ATP1A2-related conditions. This variant is not present in population databases (gnomAD no frequency). This sequence change replaces isoleucine, which is neutral and non-polar, with valine, which is neutral and non-polar, at codon 733 of the ATP1A2 protein (p.Ile733Val).